The following is an entry in ClinVar:

NM_014244.5(ADAMTS2):c.11C>A (p.Pro4Gln)

Gene: ADAMTS2 (ADAM metallopeptidase with thrombospondin type 1 motif 2; minus strand). Cytogenetic location: 5q35.3.
Variant type: single nucleotide variant.
Coding change: c.11C>A on transcript NM_014244.5 (MANE Select); coding-DNA position 11, C replaced by A.
Protein change: p.Pro4Gln; replaces proline 4 with glutamine.
Molecular consequence: missense variant.
Genome position (GRCh38, 1-based): chr5:179,345,318, G>T on the plus strand (C>A on the coding strand, the complement: ADAMTS2 is on the minus strand). VCF-style: chr5-179345318-G-T. GRCh37 (hg19) VCF-style: chr5-178772319-G-T.
Other names: c.11C>A, p.Pro4Gln (NM_021599.4); short protein forms P4Q.
Identifiers: ClinVar variation 1314771 (VCV001314771.5), dbSNP rs2127463944, ClinGen allele CA362624080.
Genomic context (GRCh38, chr5:179,345,318, plus strand): 5'-GGCAGCAGCAGCAGCAGCAGCAGCAGCGCGGGGCAGAGCAGGCGGCGAGCGGCTCCCGCC[G>T]GCGGATCCATGGCAGCCGGACTGCAGCCGGGGCCCCGCACTCGCAGCCGGCGCGAAAGTT-3'
Protein context (NP_055059.2, residues 1-14): MDP[Pro4Gln]AGAARRLLCP

ClinVar aggregate classification (germline): Uncertain significance. Review status: criteria provided, multiple submitters, no conflicts (2 of 4 stars). 2 submissions from 2 submitters: Uncertain significance (2). Last evaluated 2023-05-23.

Conditions:
Ehlers-Danlos syndrome, dermatosparaxis type. Also called: Dermatosparaxis; Ehlers-Danlos syndrome, type VII, autosomal recessive; EDS VIIC. Identifiers: Orphanet 1901, MedGen C2700425, MONDO:0009161, OMIM 225410.

Allele frequency attached by ClinVar (database versions not stated): gnomAD exomes 0.00001.
gnomAD v4.1: 6 of 1,134,828 alleles (0.00053%); highest among the groups gnomAD compares: Non-Finnish European, 0.00065%; no homozygotes.

Submissions (2):

Labcorp Genetics (formerly Invitae), Labcorp
Classification: Uncertain significance for Ehlers-Danlos syndrome, dermatosparaxis type. Last evaluated: 2023-05-23. Review status: criteria provided, single submitter. Criteria: Invitae Variant Classification Sherloc (09022015). Collection method: clinical testing. Allele origin: germline.
Comment: This variant is not present in population databases (gnomAD no frequency). This variant has not been reported in the literature in individuals affected with ADAMTS2-related conditions. This sequence change replaces proline, which is neutral and non-polar, with glutamine, which is neutral and polar, at codon 4 of the ADAMTS2 protein (p.Pro4Gln). ClinVar contains an entry for this variant (Variation ID: 1314771). In summary, the available evidence is currently insufficient to determine the role of this variant in disease. Therefore, it has been classified as a Variant of Uncertain Significance. Experimental studies and prediction algorithms are not available or were not evaluated, and the functional significance of this variant is currently unknown.

GeneDx
Classification: Uncertain significance. Last evaluated: 2021-04-14. Review status: criteria provided, single submitter. Criteria: GeneDx Variant Classification Process June 2021. Collection method: clinical testing. Allele origin: germline. Affected: yes.
Comment: Not observed in large population cohorts (Lek et al., 2016); In silico analysis supports that this missense variant does not alter protein structure/function; Has not been previously published as pathogenic or benign to our knowledge